The following is an entry in ClinVar:

ClinVar aggregate classification (germline): Likely benign (0 of 4 stars; one submission).

Conditions:
SOX4-related disorder. Also called: SOX4-related condition.

Allele frequency attached by ClinVar (database versions not stated): ExAC 0.00013; ESP Exome Variant Server 0.00055; 1000 Genomes Project 0.00140; 1000 Genomes Project 30x 0.00172.

Submission:

PreventionGenetics, part of Exact Sciences
Classification: Likely benign for SOX4-related condition. Last evaluated: 2020-04-24. Review status: no assertion criteria provided. Collection method: clinical testing. Allele origin: germline.
Comment: This variant is classified as likely benign based on ACMG/AMP sequence variant interpretation guidelines (Richards et al. 2015 PMID: 25741868, with internal and published modifications).

NM_003107.3(SOX4):c.63C>A (p.Asp21Glu)

Gene: SOX4 (SRY-box transcription factor 4; plus strand). Cytogenetic location: 6p22.3.
Variant type: single nucleotide variant.
Coding change: c.63C>A on transcript NM_003107.3 (MANE Select); coding-DNA position 63, C replaced by A.
Protein change: p.Asp21Glu; replaces aspartic acid 21 with glutamic acid.
Molecular consequence: missense variant.
Genome position (GRCh38, 1-based): chr6:21,594,597, C>A. VCF-style: chr6-21594597-C-A. GRCh37 (hg19) VCF-style: chr6-21594828-C-A.
Other names: short protein forms D21E.
Identifiers: ClinVar variation 3053451 (VCV003053451.2), dbSNP rs201097197, ClinGen allele CA3653539.